The following is an entry in ClinVar:

ClinVar aggregate classification (germline): Uncertain significance (1 of 4 stars; one submission).

Conditions:
Primary ciliary dyskinesia. Also called: Ciliary dyskinesia. Identifiers: Orphanet 244, MedGen C0008780, MONDO:0016575, HP:0012265.

Submission:

Labcorp Genetics (formerly Invitae), Labcorp
Classification: Uncertain significance for Primary ciliary dyskinesia. Last evaluated: 2024-03-28. Review status: criteria provided, single submitter. Criteria: Invitae Variant Classification Sherloc (09022015). Collection method: clinical testing. Allele origin: germline.
Comment: This sequence change affects codon 2583 of the DNAH5 mRNA. It is a 'silent' change, meaning that it does not change the encoded amino acid sequence of the DNAH5 protein. This variant is not present in population databases (gnomAD no frequency). This variant has not been reported in the literature in individuals affected with DNAH5-related conditions. Algorithms developed to predict the effect of sequence changes on RNA splicing suggest that this variant may disrupt the consensus splice site. In summary, the available evidence is currently insufficient to determine the role of this variant in disease. Therefore, it has been classified as a Variant of Uncertain Significance.

NM_001369.3(DNAH5):c.7749C>T (p.Gly2583=)

Gene: DNAH5 (dynein axonemal heavy chain 5; minus strand). Cytogenetic location: 5p15.2.
Variant type: single nucleotide variant.
Coding change: c.7749C>T on transcript NM_001369.3 (MANE Select); coding-DNA position 7749, C replaced by T.
Protein change: p.Gly2583=; no amino-acid change (glycine 2583 retained).
Molecular consequence: synonymous variant.
Genome position (GRCh38, 1-based): chr5:13,809,047, G>A on the plus strand (C>T on the coding strand, the complement: DNAH5 is on the minus strand). VCF-style: chr5-13809047-G-A. GRCh37 (hg19) VCF-style: chr5-13809156-G-A.
Identifiers: ClinVar variation 3647935 (VCV003647935.2).
Genomic context (GRCh38, chr5:13,809,047, plus strand): 5'-GATGCTTCATGTCTCCCCTTAAAATATGCTACAGTTAATAAAAATTAAAAGTCATACCTT[G>A]CCCTGTTTAGCAATGGTTTGAATTAGAAAGTCAGTCCTCACATTGTCAACATTTGGCACC-3'
Protein context (NP_001360.1, residues 2573-2593): DFLIQTIAKQ[Gly2583=]KAVLLIGEQG